The following is an entry in ClinVar:

NM_018263.6(ASXL2):c.3784G>T (p.Ala1262Ser)

Gene: ASXL2 (ASXL transcriptional regulator 2; minus strand). Cytogenetic location: 2p23.3.
Variant type: single nucleotide variant.
Coding change: c.3784G>T on transcript NM_018263.6 (MANE Select); coding-DNA position 3784, G replaced by T.
Protein change: p.Ala1262Ser; replaces alanine 1262 with serine.
Molecular consequence: missense variant.
Genome position (GRCh38, 1-based): chr2:25,742,553, C>A on the plus strand (G>T on the coding strand, the complement: ASXL2 is on the minus strand). VCF-style: chr2-25742553-C-A. GRCh37 (hg19) VCF-style: chr2-25965422-C-A.
Other names: c.3610G>T, p.Ala1204Ser (NM_001369346.1); c.3004G>T, p.Ala1002Ser (NM_001369347.1); short protein forms A1002S, A1204S, A1262S.
Identifiers: ClinVar variation 3062134 (VCV003062134.1), dbSNP rs1236056808, ClinGen allele CA346076095.

ClinVar aggregate classification (germline): Uncertain significance (1 of 4 stars; one submission).

Conditions:
Shashi-Pena syndrome (SHAPNS). Identifiers: Orphanet 689408, MedGen C4310672, MONDO:0014963, OMIM 617190.

Allele frequency attached by ClinVar (database versions not stated): TOPMed below 0.00001; gnomAD 0.00001.
gnomAD v4.1: 1 of 1,613,888 alleles (0.000062%); highest among the groups gnomAD compares: African/African-American, 0.0013%; no homozygotes.

Submission:

Illumina Laboratory Services, Illumina
Classification: Uncertain significance for Shashi-Pena syndrome. Last evaluated: 2021-07-31. Review status: criteria provided, single submitter. Criteria: ICSLVariantClassificationCriteria RUGD 01 April 2020. Collection method: clinical testing. Allele origin: unknown.
Comment: The ASXL2 c.3784G>T p.(Ala1262Ser) missense variant has not, to our knowledge, been reported in the peer-reviewed literature. This variant is reported in the Genome Aggregation Database in one allele at a frequency of 0.000115 in the African/African American population (version 2.1.1). The p.Ala1262 residue is located upstream of the zinc-finger domain of the protein (Shashi et al. 2016). Based on the limited evidence the c.3784G>T p.(Ala1262Ser) variant is classified as a variant of uncertain significance for Shashi-Pena syndrome.